The following is an entry in ClinVar:

NM_001144967.3(NEDD4L):c.2244C>G (p.Asp748Glu)

Gene: NEDD4L (NEDD4 like E3 ubiquitin protein ligase; plus strand). Cytogenetic location: 18q21.31.
Variant type: single nucleotide variant.
Coding change: c.2244C>G on transcript NM_001144967.3 (MANE Select); coding-DNA position 2244, C replaced by G.
Protein change: p.Asp748Glu; replaces aspartic acid 748 with glutamic acid.
Molecular consequence: missense variant.
Genome position (GRCh38, 1-based): chr18:58,370,455, C>G. VCF-style: chr18-58370455-C-G. GRCh37 (hg19) VCF-style: chr18-56037687-C-G.
Other names: c.1881C>G, p.Asp627Glu (NM_001144964.1, NM_001144965.2, NM_001144966.3); c.2220C>G, p.Asp740Glu (NM_001144968.2); c.2160C>G, p.Asp720Glu (NM_001144969.2); c.1821C>G, p.Asp607Glu (NM_001144970.3, NM_001144971.2); c.2052C>G, p.Asp684Glu (NM_001243960.2); c.2184C>G, p.Asp728Glu (NM_015277.6); short protein forms D607E, D627E, D684E, D720E, D728E, D740E, D748E.
Identifiers: ClinVar variation 1002931 (VCV001002931.8), dbSNP rs2046707609, ClinGen allele CA402551329.
Genomic context (GRCh38, chr18:58,370,455, plus strand): 5'-AGGTTTCTTCATTAGACCATTTTACAAGATGATGTTGGGAAAGCAGATAACCCTGAATGA[C>G]ATGGAATCTGTGGTAAGTAAATGCACGTCACACACTGGCCATCACCGGGCACTCGTGTCT-3'
Protein context (NP_001138439.1, residues 738-758): MMLGKQITLN[Asp748Glu]MESVDSEYYN

ClinVar aggregate classification (germline): Uncertain significance (1 of 4 stars; one submission).

Submission:

Labcorp Genetics (formerly Invitae), Labcorp
Classification: Uncertain significance. Last evaluated: 2020-03-12. Review status: criteria provided, single submitter. Criteria: Invitae Variant Classification Sherloc (09022015). Collection method: clinical testing. Allele origin: germline.
Comment: This variant has not been reported in the literature in individuals with NEDD4L-related conditions. This sequence change replaces aspartic acid with glutamic acid at codon 728 of the NEDD4L protein (p.Asp728Glu). The aspartic acid residue is highly conserved and there is a small physicochemical difference between aspartic acid and glutamic acid. This variant is not present in population databases (ExAC no frequency). Algorithms developed to predict the effect of missense changes on protein structure and function (SIFT, PolyPhen-2, Align-GVGD) all suggest that this variant is likely to be disruptive, but these predictions have not been confirmed by published functional studies and their clinical significance is uncertain. In summary, the available evidence is currently insufficient to determine the role of this variant in disease. Therefore, it has been classified as a Variant of Uncertain Significance.